The following is an entry in ClinVar:

NM_182977.3(NNT):c.3072T>G (p.Ile1024Met)

Gene: NNT (nicotinamide nucleotide transhydrogenase; plus strand). Cytogenetic location: 5p12.
Variant type: single nucleotide variant.
Coding change: c.3072T>G on transcript NM_182977.3 (MANE Select); coding-DNA position 3072, T replaced by G.
Protein change: p.Ile1024Met; replaces isoleucine 1024 with methionine.
Molecular consequence: missense variant.
Genome position (GRCh38, 1-based): chr5:43,702,697, T>G. VCF-style: chr5-43702697-T-G. GRCh37 (hg19) VCF-style: chr5-43702799-T-G.
Other names: c.2679T>G, p.Ile893Met (NM_001331026.2); c.3072T>G, p.Ile1024Met (NM_012343.4); short protein forms I893M, I1024M.
Identifiers: ClinVar variation 2038837 (VCV002038837.5), dbSNP rs776016665, ClinGen allele CA3258409.
Genomic context (GRCh38, chr5:43,702,697, plus strand): 5'-TGTAATTGGAGCTAATGACACTGTTAATTCAGCAGCTCAAGAAGATCCCAACTCTATTAT[T>G]GCAGGCATGCCAGTCCTTGAGGTCTGGAAATCAAAGCAGGTAAAGTTTCAGACTTGTATT-3'
Protein context (NP_892022.2, residues 1014-1034): SAAQEDPNSI[Ile1024Met]AGMPVLEVWK

ClinVar aggregate classification (germline): Uncertain significance. Review status: criteria provided, multiple submitters, no conflicts (2 of 4 stars). 2 submissions from 2 submitters: Uncertain significance (2). Last evaluated 2025-03-03.

Conditions:
Inborn genetic diseases. Identifiers: MedGen C0950123, MeSH D030342.

Allele frequency attached by ClinVar (database versions not stated): ExAC 0.00001; gnomAD exomes 0.00002; TOPMed 0.00013; gnomAD 0.00015.
gnomAD v4.1: 34 of 1,612,936 alleles (0.0021%); highest among the groups gnomAD compares: Admixed American, 0.057%; no homozygotes.

Submissions (2):

Labcorp Genetics (formerly Invitae), Labcorp
Classification: Uncertain significance. Last evaluated: 2025-03-03. Review status: criteria provided, single submitter. Criteria: Invitae Variant Classification Sherloc (09022015). Collection method: clinical testing. Allele origin: germline.
Comment: This sequence change replaces isoleucine, which is neutral and non-polar, with methionine, which is neutral and non-polar, at codon 1024 of the NNT protein (p.Ile1024Met). This variant is present in population databases (rs776016665, gnomAD 0.04%). This variant has not been reported in the literature in individuals affected with NNT-related conditions. ClinVar contains an entry for this variant (Variation ID: 2038837). An algorithm developed to predict the effect of missense changes on protein structure and function (PolyPhen-2) suggests that this variant is likely to be disruptive. In summary, the available evidence is currently insufficient to determine the role of this variant in disease. Therefore, it has been classified as a Variant of Uncertain Significance.

Ambry Genetics
Classification: Uncertain significance for Inborn genetic diseases. Last evaluated: 2022-03-11. Review status: criteria provided, single submitter. Criteria: Ambry Variant Classification Scheme 2023. Collection method: clinical testing. Allele origin: germline.